The following is an entry in ClinVar:

ClinVar aggregate classification (germline): Conflicting classifications of pathogenicity. Review status: criteria provided, conflicting classifications (1 of 4 stars). 6 submissions from 5 submitters: Uncertain significance (1); Benign (2); Likely benign (3). Last evaluated 2026-01-28.

Conditions:
Usher syndrome type 1D (USH1D). Also called: USHER SYNDROME, TYPE ID. Identifiers: Orphanet 231169, Orphanet 886, MedGen C1832845, MONDO:0010984, OMIM 601067.
Autosomal recessive nonsyndromic hearing loss 12. Also called: DEAFNESS, AUTOSOMAL RECESSIVE 12. Identifiers: Orphanet 90636, MedGen C1832394, MONDO:0011067, OMIM 601386.

Allele frequency attached by ClinVar (database versions not stated): ESP Exome Variant Server 0.00008; ExAC 0.00217; TOPMed 0.00025; gnomAD 0.00054 and 0.00010; gnomAD exomes 0.00102 and 0.00197; 1000 Genomes Project 30x 0.00203; 1000 Genomes Project 0.00220.
gnomAD v4.1: 1,571 of 1,614,046 alleles (0.097%); highest among the groups gnomAD compares: South Asian, 1.4%; 24 homozygotes.

Submissions (6):

Labcorp Genetics (formerly Invitae), Labcorp
Classification: Benign. Last evaluated: 2026-01-28. Review status: criteria provided, single submitter. Criteria: Invitae Variant Classification Sherloc (09022015). Collection method: clinical testing. Allele origin: germline.

CeGaT Center for Human Genetics Tuebingen
Classification: Benign. Last evaluated: 2024-08-01. Review status: criteria provided, single submitter. Criteria: CeGaT Center For Human Genetics Tuebingen Variant Classification Criteria Version 2. Collection method: clinical testing. Allele origin: germline. Affected: yes. Observed: 2 variant alleles.
Comment: CDH23: BP4, BS1, BS2

GeneDx
Classification: Likely benign. Last evaluated: 2020-12-08. Review status: criteria provided, single submitter. Criteria: GeneDx Variant Classification Process June 2021. Collection method: clinical testing. Allele origin: germline. Affected: yes.

Illumina Laboratory Services, Illumina
Classification: Likely benign for Usher syndrome type 1D. Last evaluated: 2018-01-13. Review status: criteria provided, single submitter. Criteria: ICSL Variant Classification Criteria 13 December 2019. Collection method: clinical testing. Allele origin: germline.
Comment: This variant was observed in the ICSL laboratory as part of a predisposition screen in an ostensibly healthy population. It had not been previously curated by ICSL or reported in the Human Gene Mutation Database (HGMD: prior to June 1st, 2018), and was therefore a candidate for classification through an automated scoring system. Utilizing variant allele frequency, disease prevalence and penetrance estimates, and inheritance mode, an automated score was calculated to assess if this variant is too frequent to cause the disease. Based on the score and internal cut-off values, a variant classified as likely benign is not then subjected to further curation. The score for this variant resulted in a classification of likely benign for this disease.

Illumina Laboratory Services, Illumina
Classification: Uncertain significance for Autosomal recessive nonsyndromic hearing loss 12. Last evaluated: 2018-01-13. Review status: criteria provided, single submitter. Criteria: ICSL Variant Classification Criteria 13 December 2019. Collection method: clinical testing. Allele origin: germline.

Laboratory for Molecular Medicine, Mass General Brigham Personalized Medicine
Classification: Likely benign. Last evaluated: 2014-10-19. Review status: criteria provided, single submitter. Criteria: LMM Criteria. Collection method: clinical testing. Allele origin: germline. Observed: 2 variant alleles.
Comment: p.Met1160Ile in exon 30 of CDH23: This variant is not expected to have clinical significance because this residue is not conserved in mammals and computational analyses do not suggest a likelihood of impact to the protein.

NM_022124.6(CDH23):c.3480G>T (p.Met1160Ile)

Genes: C10orf105 (chromosome 10 open reading frame 105; minus strand), CDH23 (cadherin related 23; plus strand). Cytogenetic location: 10q22.1.
Variant type: single nucleotide variant.
Coding change: c.3480G>T on transcript NM_022124.6 (MANE Select); coding-DNA position 3480, G replaced by T.
Protein change: p.Met1160Ile; replaces methionine 1160 with isoleucine.
Molecular consequence: missense variant. On other transcripts: intron variant (1).
Genome position (GRCh38, 1-based): chr10:71,725,421, G>T. VCF-style: chr10-71725421-G-T. GRCh37 (hg19) VCF-style: chr10-73485178-G-T.
Other names: c.3480G>T, p.Met1160Ile (NM_001171930.2); c.-5-9079C>A (NM_001168390.2); short protein forms M1160I.
Identifiers: ClinVar variation 45919 (VCV000045919.38), dbSNP rs111033519, ClinGen allele CA137376.
Genomic context (GRCh38, chr10:71,725,421, plus strand): 5'-CCTCCACACAGGTAACCATGGCAACAACTTCCGGATCCATGTCAGCAATGGGCTCCTGAT[G>T]CGAGGGCCCCGGCCCCTGGACCGGGAGCGGAACTCATCCCACGTGCTGATAGTGGAGGCC-3'
Protein context (NP_071407.4, residues 1150-1170): FRIHVSNGLL[Met1160Ile]RGPRPLDRER